The following is an entry in ClinVar:

ClinVar aggregate classification (germline): Pathogenic. Review status: criteria provided, single submitter (1 of 4 stars). 2 submissions from 2 submitters: Pathogenic (1). 1 of the submissions does not count toward it. Last evaluated 2020-08-27.

Conditions:
Danon disease. Also called: ANTOPOL DISEASE; PSEUDOGLYCOGENOSIS II; GSD IIb; LYSOSOMAL GLYCOGEN STORAGE DISEASE WITHOUT ACID MALTASE DEFICIENCY; Glycogen Storage Disease Type IIb. Identifiers: Orphanet 34587, MedGen C0878677, MONDO:0010281, OMIM 300257.
Hypertrophic cardiomyopathy. Also called: HYPERTROPHIC MYOCARDIOPATHY. Identifiers: Orphanet 217569, MedGen C0007194, MeSH D002312, MONDO:0005045, HP:0001639.

Submissions (2):

Labcorp Genetics (formerly Invitae), Labcorp
Classification: Pathogenic for Danon disease. Last evaluated: 2020-08-27. Review status: criteria provided, single submitter. Criteria: Invitae Variant Classification Sherloc (09022015). Collection method: clinical testing. Allele origin: germline.
Comment: For these reasons, this variant has been classified as Pathogenic. Loss-of-function variants in LAMP2 are known to be pathogenic (PMID: 21415759). This variant has not been reported in the literature in individuals with LAMP2-related conditions. ClinVar contains an entry for this variant (Variation ID: 44418). This variant is not present in population databases (ExAC no frequency). This sequence change creates a premature translational stop signal (p.Tyr61*) in the LAMP2 gene. It is expected to result in an absent or disrupted protein product.

Laboratory for Molecular Medicine, Mass General Brigham Personalized Medicine
Classification: Likely pathogenic for Hypertrophic cardiomyopathy. Last evaluated: 2008-04-10. Review status: no assertion criteria provided. Collection method: clinical testing. Allele origin: germline. Observed: 2 variant alleles. Not counted in ClinVar's aggregate classification.

Literature cited by the submitters: PubMed 21415759 (cited by Labcorp Genetics (formerly Invitae), Labcorp).

NM_002294.3(LAMP2):c.183T>A (p.Tyr61Ter)

Gene: LAMP2 (lysosome associated membrane protein 2; minus strand). Cytogenetic location: Xq24.
Variant type: single nucleotide variant.
Coding change: c.183T>A on transcript NM_002294.3 (MANE Select); coding-DNA position 183, T replaced by A.
Protein change: p.Tyr61Ter; replaces tyrosine 61 with a stop codon.
Molecular consequence: nonsense.
Genome position (GRCh38, 1-based): chrX:120,456,651, A>T on the plus strand (T>A on the coding strand, the complement: LAMP2 is on the minus strand). VCF-style: chrX-120456651-A-T. GRCh37 (hg19) VCF-style: chrX-119590506-A-T.
Other names: c.183T>A, p.Tyr61Ter (NM_001122606.1, NM_013995.2); short protein forms Y61*.
Identifiers: ClinVar variation 44418 (VCV000044418.10), dbSNP rs397516736, ClinGen allele CA134078.